The following is an entry in ClinVar:

ClinVar aggregate classification (germline): Uncertain significance. Review status: criteria provided, multiple submitters, no conflicts (2 of 4 stars). 3 submissions from 3 submitters: Uncertain significance (3). Last evaluated 2025-02-03.

Conditions:
MHC class II deficiency. Also called: Bare lymphocyte syndrome 2; BLS, TYPE II. Identifiers: Orphanet 572, MedGen C5447452, MONDO:0008855.

Allele frequency attached by ClinVar (database versions not stated): gnomAD 0.00013; TOPMed 0.00021; ESP Exome Variant Server 0.00046.
gnomAD v4.1: 569 of 1,614,014 alleles (0.035%); highest among the groups gnomAD compares: Non-Finnish European, 0.044%; no homozygotes.

Submissions (3):

Labcorp Genetics (formerly Invitae), Labcorp
Classification: Uncertain significance for MHC class II deficiency. Last evaluated: 2025-02-03. Review status: criteria provided, single submitter. Criteria: Invitae Variant Classification Sherloc (09022015). Collection method: clinical testing. Allele origin: germline.
Comment: This sequence change replaces isoleucine, which is neutral and non-polar, with methionine, which is neutral and non-polar, at codon 242 of the RFXANK protein (p.Ile242Met). This variant is present in population databases (rs200043123, gnomAD 0.03%). This variant has not been reported in the literature in individuals affected with RFXANK-related conditions. ClinVar contains an entry for this variant (Variation ID: 538589). Invitae Evidence Modeling of protein sequence and biophysical properties (such as structural, functional, and spatial information, amino acid conservation, physicochemical variation, residue mobility, and thermodynamic stability) indicates that this missense variant is not expected to disrupt RFXANK protein function with a negative predictive value of 80%. In summary, the available evidence is currently insufficient to determine the role of this variant in disease. Therefore, it has been classified as a Variant of Uncertain Significance.

Blueprint Genetics
Classification: Uncertain significance. Last evaluated: 2024-10-24. Review status: criteria provided, single submitter. Criteria: ACMG Guidelines, 2015. Collection method: clinical testing. Allele origin: germline.

Illumina Laboratory Services, Illumina
Classification: Uncertain significance for MHC class II deficiency 1. Last evaluated: 2018-01-13. Review status: criteria provided, single submitter. Criteria: ICSL Variant Classification Criteria 13 December 2019. Collection method: clinical testing. Allele origin: germline.

NM_003721.4(RFXANK):c.726C>G (p.Ile242Met)

Genes: NR2C2AP (nuclear receptor 2C2 associated protein; minus strand), RFXANK (regulatory factor X associated ankyrin containing protein; plus strand). Cytogenetic location: 19p13.11.
Variant type: single nucleotide variant.
Coding change: c.726C>G on transcript NM_003721.4 (MANE Select); coding-DNA position 726, C replaced by G.
Protein change: p.Ile242Met; replaces isoleucine 242 with methionine.
Molecular consequence: missense variant. On other transcripts: 3 prime UTR variant (1), intron variant (1).
Genome position (GRCh38, 1-based): chr19:19,201,662, C>G. VCF-style: chr19-19201662-C-G. GRCh37 (hg19) VCF-style: chr19-19312471-C-G.
Other names: c.*263G>C (NM_176880.6); c.660C>G, p.Ile220Met (NM_001278727.2, NM_001370234.1); c.657C>G, p.Ile219Met (NM_001278728.2, NM_134440.3); c.726C>G, p.Ile242Met (NM_001370233.1); c.723C>G, p.Ile241Met (NM_001370235.1, NM_001370236.1); c.798C>G, p.Ile266Met (NM_001370237.1); c.801C>G, p.Ile267Met (NM_001370238.1); c.415-99G>C (NM_001300945.2); short protein forms I242M, I219M, I241M, I267M, I220M, I266M.
Identifiers: ClinVar variation 538589 (VCV000538589.12), dbSNP rs200043123, ClinGen allele CA9322944.